The following is an entry in ClinVar:

NM_006516.4(SLC2A1):c.418G>T (p.Val140Leu)

Gene: SLC2A1 (solute carrier family 2 member 1; minus strand). Cytogenetic location: 1p34.2.
Variant type: single nucleotide variant.
Coding change: c.418G>T on transcript NM_006516.4 (MANE Select); coding-DNA position 418, G replaced by T.
Protein change: p.Val140Leu; replaces valine 140 with leucine.
Molecular consequence: missense variant.
Genome position (GRCh38, 1-based): chr1:42,930,724, C>A on the plus strand (G>T on the coding strand, the complement: SLC2A1 is on the minus strand). VCF-style: chr1-42930724-C-A. GRCh37 (hg19) VCF-style: chr1-43396395-C-A.
Other names: short protein forms V140L.
Identifiers: ClinVar variation 2697280 (VCV002697280.3), dbSNP rs1057517822, ClinGen allele CA339960775.

ClinVar aggregate classification (germline): Likely pathogenic (1 of 4 stars; one submission).

Conditions:
GLUT1 deficiency syndrome 1, autosomal recessive. Identifiers: MedGen C3149117.

Submission:

Labcorp Genetics (formerly Invitae), Labcorp
Classification: Likely pathogenic for GLUT1 deficiency syndrome 1, autosomal recessive. Last evaluated: 2023-11-19. Review status: criteria provided, single submitter. Criteria: Invitae Variant Classification Sherloc (09022015). Collection method: clinical testing. Allele origin: germline.
Comment: This sequence change replaces valine, which is neutral and non-polar, with leucine, which is neutral and non-polar, at codon 140 of the SLC2A1 protein (p.Val140Leu). This variant is not present in population databases (gnomAD no frequency). This missense change has been observed in individual(s) with clinical features of SLC2A1-related conditions (Invitae). Advanced modeling of protein sequence and biophysical properties (such as structural, functional, and spatial information, amino acid conservation, physicochemical variation, residue mobility, and thermodynamic stability) performed at Invitae indicates that this missense variant is expected to disrupt SLC2A1 protein function with a positive predictive value of 95%. This variant disrupts the p.Val140 amino acid residue in SLC2A1. Other variant(s) that disrupt this residue have been determined to be pathogenic (PMID: 18577546, 29356177). This suggests that this residue is clinically significant, and that variants that disrupt this residue are likely to be disease-causing. In summary, the currently available evidence indicates that the variant is pathogenic, but additional data are needed to prove that conclusively. Therefore, this variant has been classified as Likely Pathogenic.

Literature cited by the submitters: PubMed 18577546; PubMed 29356177.